The following is an entry in ClinVar:

ClinVar aggregate classification (germline): Pathogenic (1 of 4 stars; one submission).

Conditions:
Cholestanol storage disease (CTX). Also called: CEREBRAL CHOLESTERINOSIS; CTX: Cerebrotendinous xanthomatosis; Cerebrotendinous Xanthomatosis. Identifiers: Orphanet 909, MedGen C0238052, MONDO:0008948, OMIM 213700.

Submission:

Labcorp Genetics (formerly Invitae), Labcorp
Classification: Pathogenic for Cholestanol storage disease. Last evaluated: 2019-06-10. Review status: criteria provided, single submitter. Criteria: Invitae Variant Classification Sherloc (09022015). Collection method: clinical testing. Allele origin: germline.
Comment: This variant is an out-of-frame deletion of the genomic region encompassing exon 2 of the CYP27A1 gene. This is expected to create a premature translational stop signal and result in an absent or disrupted protein product. This variant has not been reported in the literature in individuals with CYP27A1-related conditions. Loss-of-function variants in CYP27A1 are known to be pathogenic (PMID: 9392430, 10775536, 26937392). For these reasons, this variant has been classified as Pathogenic.

NC_000002.12:g.(?_218809567)_(218809777_?)del

Gene: CYP27A1 (cytochrome P450 family 27 subfamily A member 1; plus strand). Cytogenetic location: 2q35.
Variant type: Deletion.
Identifiers: ClinVar variation 832296 (VCV000832296.1).